The following is an entry in ClinVar:

ClinVar aggregate classification (germline): Uncertain significance (1 of 4 stars; one submission).

Conditions:
Glycogen storage disease due to muscle and heart glycogen synthase deficiency. Also called: GSD 0b; MUSCLE GLYCOGEN SYNTHASE DEFICIENCY. Identifiers: Orphanet 137625, MedGen C1969054, MONDO:0012693, OMIM 611556.

gnomAD v4.1: 8 of 1,580,870 alleles (0.00051%); highest among the groups gnomAD compares: Admixed American, 0.0017%; no homozygotes.

Submission:

Labcorp Genetics (formerly Invitae), Labcorp
Classification: Uncertain significance for Glycogen storage disease due to muscle and heart glycogen synthase deficiency. Last evaluated: 2022-07-09. Review status: criteria provided, single submitter. Criteria: Invitae Variant Classification Sherloc (09022015). Collection method: clinical testing. Allele origin: germline.
Comment: In summary, the available evidence is currently insufficient to determine the role of this variant in disease. Therefore, it has been classified as a Variant of Uncertain Significance. Algorithms developed to predict the effect of missense changes on protein structure and function are either unavailable or do not agree on the potential impact of this missense change (SIFT: "Deleterious"; PolyPhen-2: "Not Available"; Align-GVGD: "Class C0"). This variant has not been reported in the literature in individuals affected with GYS1-related conditions. This variant is not present in population databases (gnomAD no frequency). This sequence change replaces proline, which is neutral and non-polar, with serine, which is neutral and polar, at codon 728 of the GYS1 protein (p.Pro728Ser).

NM_002103.5(GYS1):c.2182C>T (p.Pro728Ser)

Gene: GYS1 (glycogen synthase 1; minus strand). Cytogenetic location: 19q13.33.
Variant type: single nucleotide variant.
Coding change: c.2182C>T on transcript NM_002103.5 (MANE Select); coding-DNA position 2182, C replaced by T.
Protein change: p.Pro728Ser; replaces proline 728 with serine.
Molecular consequence: missense variant. On other transcripts: non-coding transcript variant (1).
Genome position (GRCh38, 1-based): chr19:48,969,320, G>A on the plus strand (C>T on the coding strand, the complement: GYS1 is on the minus strand). VCF-style: chr19-48969320-G-A. GRCh37 (hg19) VCF-style: chr19-49472577-G-A.
Other names: c.1990C>T, p.Pro664Ser (NM_001161587.2); short protein forms P728S, P664S.
Identifiers: ClinVar variation 1968625 (VCV001968625.5), dbSNP rs935271060, ClinGen allele CA309381783.